The following is an entry in ClinVar:

NM_014314.4(RIGI):c.93dup (p.Trp32fs)

Gene: RIGI (RNA sensor RIG-I; minus strand). Cytogenetic location: 9p21.1.
Variant type: Duplication.
Coding change: c.93dup on transcript NM_014314.4 (MANE Select); coding-DNA position 93, one base duplicated (C; older notation c.93dupC).
Protein change: p.Trp32fs; shifts the reading frame from tryptophan 32.
Molecular consequence: frameshift variant. On other transcripts: 5 prime UTR variant (3).
Genome position (GRCh38, 1-based): chr9:32,526,074, G duplicated on the plus strand (C on the coding strand, the reverse complement: RIGI is on the minus strand); the first of 5 consecutive G bases (chr9:32,526,074-32,526,078); duplicating any one gives the same sequence. VCF-style (leftmost placement, unchanged base first): chr9-32526073-A-AG. GRCh37 (hg19) VCF-style: chr9-32526071-A-AG.
Other names: c.93dup, p.Trp32fs (NM_001385907.1, NM_001385909.1, NM_001385913.1); c.-362dup (NM_001385910.1, NM_001385914.1); c.-369dup (NM_001385912.1); short protein forms W32fs.
Identifiers: ClinVar variation 2055975 (VCV002055975.4), dbSNP rs2489411093, ClinGen allele CA2580080327.
Genomic context (GRCh38, chr9:32,526,073, plus strand): 5'-AAGTCCTCAATTGTTTTCCGCCGAGAAGGCGCCGCTGGAGACACTCACCCTCCCTAAACC[A>AG]GGGGGCCATGTAGCTCAGGATGTAGGTAGGGTCCAGGGTCTTCCGGATATAATCCTGGAA-3'

ClinVar aggregate classification (germline): Uncertain significance (1 of 4 stars; one submission).

Submission:

Labcorp Genetics (formerly Invitae), Labcorp
Classification: Uncertain significance. Last evaluated: 2022-10-24. Review status: criteria provided, single submitter. Criteria: Invitae Variant Classification Sherloc (09022015). Collection method: clinical testing. Allele origin: germline.
Comment: This sequence change creates a premature translational stop signal (p.Trp32Leufs*3) in the DDX58 gene. It is expected to result in an absent or disrupted protein product. However, the current clinical and genetic evidence is not sufficient to establish whether loss-of-function variants in DDX58 cause disease. This variant is not present in population databases (gnomAD no frequency). This variant has not been reported in the literature in individuals affected with DDX58-related conditions. In summary, the available evidence is currently insufficient to determine the role of this variant in disease. Therefore, it has been classified as a Variant of Uncertain Significance.